The following is an entry in ClinVar:

ClinVar aggregate classification (germline): Uncertain significance (1 of 4 stars; one submission).

Submission:

Labcorp Genetics (formerly Invitae), Labcorp
Classification: Uncertain significance. Last evaluated: 2021-04-11. Review status: criteria provided, single submitter. Criteria: Invitae Variant Classification Sherloc (09022015). Collection method: clinical testing. Allele origin: germline.
Comment: Algorithms developed to predict the effect of missense changes on protein structure and function (SIFT, PolyPhen-2, Align-GVGD) all suggest that this variant is likely to be tolerated, but these predictions have not been confirmed by published functional studies and their clinical significance is uncertain. This variant has not been reported in the literature in individuals with SLC24A1-related conditions. The frequency data for this variant in the population databases is considered unreliable, as metrics indicate poor data quality at this position in the ExAC database. This sequence change replaces serine with arginine at codon 859 of the SLC24A1 protein (p.Ser859Arg). The serine residue is weakly conserved and there is a moderate physicochemical difference between serine and arginine. In summary, the available evidence is currently insufficient to determine the role of this variant in disease. Therefore, it has been classified as a Variant of Uncertain Significance.

NM_004727.3(SLC24A1):c.2575A>C (p.Ser859Arg)

Gene: SLC24A1 (solute carrier family 24 member 1; plus strand). Cytogenetic location: 15q22.31.
Variant type: single nucleotide variant.
Coding change: c.2575A>C on transcript NM_004727.3 (MANE Select); coding-DNA position 2575, A replaced by C.
Protein change: p.Ser859Arg; replaces serine 859 with arginine.
Molecular consequence: missense variant.
Genome position (GRCh38, 1-based): chr15:65,650,724, A>C. VCF-style: chr15-65650724-A-C. GRCh37 (hg19) VCF-style: chr15-65943062-A-C.
Other names: c.556A>C, p.Ser186Arg (NM_001254740.2); c.2575A>C, p.Ser859Arg (NM_001301031.1); c.2521A>C, p.Ser841Arg (NM_001301032.1, NM_001301033.2); short protein forms S186R, S841R, S859R.
Identifiers: ClinVar variation 1359485 (VCV001359485.8), dbSNP rs780860748, ClinGen allele CA7620148.